The following is an entry in ClinVar:

ClinVar aggregate classification (germline): Uncertain significance (1 of 4 stars; one submission).

Conditions:
T-cell immunodeficiency, congenital alopecia, and nail dystrophy. Also called: Congenital alopecia and nail dystrophy associated with severe functional T-cell immunodeficiency; Pignata Guarino syndrome. Identifiers: Orphanet 169095, MedGen C1866426, MONDO:0011132, OMIM 601705.

Submission:

Labcorp Genetics (formerly Invitae), Labcorp
Classification: Uncertain significance for T-cell immunodeficiency, congenital alopecia, and nail dystrophy. Last evaluated: 2022-07-23. Review status: criteria provided, single submitter. Criteria: Invitae Variant Classification Sherloc (09022015). Collection method: clinical testing. Allele origin: germline.
Comment: This sequence change replaces histidine, which is basic and polar, with tyrosine, which is neutral and polar, at codon 222 of the FOXN1 protein (p.His222Tyr). This variant is not present in population databases (gnomAD no frequency). This variant has not been reported in the literature in individuals affected with FOXN1-related conditions. Algorithms developed to predict the effect of missense changes on protein structure and function (SIFT, PolyPhen-2, Align-GVGD) all suggest that this variant is likely to be tolerated. In summary, the available evidence is currently insufficient to determine the role of this variant in disease. Therefore, it has been classified as a Variant of Uncertain Significance.

NM_001369369.1(FOXN1):c.664C>T (p.His222Tyr)

Gene: FOXN1 (forkhead box N1; plus strand). Cytogenetic location: 17q11.2.
Variant type: single nucleotide variant.
Coding change: c.664C>T on transcript NM_001369369.1 (MANE Select); coding-DNA position 664, C replaced by T.
Protein change: p.His222Tyr; replaces histidine 222 with tyrosine.
Molecular consequence: missense variant.
Genome position (GRCh38, 1-based): chr17:28,527,326, C>T. VCF-style: chr17-28527326-C-T. GRCh37 (hg19) VCF-style: chr17-26854344-C-T.
Other names: c.664C>T, p.His222Tyr (NM_003593.3); short protein forms H222Y.
Identifiers: ClinVar variation 1713486 (VCV001713486.6), dbSNP rs2508377230, ClinGen allele CA398322396.